The following is an entry in ClinVar:

ClinVar aggregate classification (germline): Conflicting classifications of pathogenicity. Review status: criteria provided, conflicting classifications (1 of 4 stars). 8 submissions from 8 submitters: Pathogenic (1); Uncertain significance (7). Last evaluated 2025-04-22.

Conditions:
Very long chain acyl-CoA dehydrogenase deficiency (ACADVLD). Also called: VLCAD Deficiency; Very Long-Chain Acyl-Coenzyme A Dehydrogenase Deficiency. Identifiers: Orphanet 26793, MedGen C3887523, MONDO:0008723, OMIM 201475.

Allele frequency attached by ClinVar (database versions not stated): ExAC 0.00003; gnomAD exomes 0.00002 and 0.00003; TOPMed 0.00003.
gnomAD v4.1: 28 of 1,555,266 alleles (0.0018%); highest among the groups gnomAD compares: African/African-American, 0.0028%; no homozygotes.

Submissions (8):

Mayo Clinic Laboratories, Mayo Clinic
Classification: Uncertain significance. Last evaluated: 2025-04-22. Review status: criteria provided, single submitter. Criteria: ACMG Guidelines, 2015. Collection method: clinical testing. Allele origin: germline. Observed: 1 variant allele.
Comment: PM3_supporting

Labcorp Genetics (formerly Invitae), Labcorp
Classification: Uncertain significance for Very long chain acyl-CoA dehydrogenase deficiency. Last evaluated: 2025-01-20. Review status: criteria provided, single submitter. Criteria: Invitae Variant Classification Sherloc (09022015). Collection method: clinical testing. Allele origin: germline.
Comment: This sequence change replaces glycine, which is neutral and non-polar, with arginine, which is basic and polar, at codon 571 of the ACADVL protein (p.Gly571Arg). This variant is present in population databases (rs398123085, gnomAD 0.007%). This missense change has been observed in individual(s) with VLCAD deficiency (PMID: 27246109; internal data). In at least one individual the data is consistent with being in trans (on the opposite chromosome) from a pathogenic variant. ClinVar contains an entry for this variant (Variation ID: 92279). Invitae Evidence Modeling of protein sequence and biophysical properties (such as structural, functional, and spatial information, amino acid conservation, physicochemical variation, residue mobility, and thermodynamic stability) indicates that this missense variant is not expected to disrupt ACADVL protein function with a negative predictive value of 80%. In summary, the available evidence is currently insufficient to determine the role of this variant in disease. Therefore, it has been classified as a Variant of Uncertain Significance.

GeneDx
Classification: Uncertain significance. Last evaluated: 2024-12-17. Review status: criteria provided, single submitter. Criteria: GeneDx Variant Classification Process June 2021. Collection method: clinical testing. Allele origin: germline. Affected: yes.
Comment: Reported in individuals with abnormal newborn screening results suggesting VLCAD deficiency. One individual also had a second pathogenic variant in ACADVL but it is not known whether the variants occurred on the same (in cis) or on different (in trans) chromosomes (Miller et al., 2015; Evans et al., 2016); Not observed at significant frequency in large population cohorts (gnomAD); In silico analysis indicates that this missense variant does not alter protein structure/function; This variant is associated with the following publications: (PMID: 26385305, 27246109)

Revvity Omics, Revvity
Classification: Uncertain significance for Very long chain acyl-CoA dehydrogenase deficiency. Last evaluated: 2024-08-29. Review status: criteria provided, single submitter. Criteria: ACMG Guidelines, 2015. Collection method: clinical testing. Allele origin: germline.

Fulgent Genetics
Classification: Uncertain significance for Very long chain acyl-CoA dehydrogenase deficiency. Last evaluated: 2024-03-22. Review status: criteria provided, single submitter. Criteria: ACMG Guidelines, 2015. Collection method: clinical testing. Allele origin: germline.

Baylor Genetics
Classification: Pathogenic for Very long chain acyl-CoA dehydrogenase deficiency. Last evaluated: 2024-02-24. Review status: criteria provided, single submitter. Criteria: ACMG Guidelines, 2015. Collection method: clinical testing. Allele origin: unknown.

Wong Mito Lab, Molecular and Human Genetics, Baylor College of Medicine
Classification: Uncertain significance for Very long chain acyl-CoA dehydrogenase deficiency. Last evaluated: 2019-11-01. Review status: criteria provided, single submitter. Criteria: ACMG Guidelines, 2015. Collection method: clinical testing. Allele origin: germline.
Comment: The NM_000018.3:c.1711G>A (NP_000009.1:p.Gly571Arg) [GRCH38: NC_000017.11:g.7224674G>A] variant in ACADVL gene is interpretated to be Uncertain Significance based on ACMG guidelines (PMID: 25741868). This variant has been reported. This variant meets the following evidence codes reported in the ACMG guidelines: PM3

Eurofins Ntd Llc (ga)
Classification: Uncertain significance. Last evaluated: 2013-05-24. Review status: criteria provided, single submitter. Criteria: EGL Classification Definitions 2015. Collection method: clinical testing. Allele origin: germline. Observed: 1 variant allele, 1 heterozygote.

Literature cited by the submitters: PubMed 26385305 (cited by Mayo Clinic Laboratories, Mayo Clinic); PubMed 27246109 (cited by Mayo Clinic Laboratories, Mayo Clinic and Labcorp Genetics (formerly Invitae), Labcorp).

NM_000018.4(ACADVL):c.1711G>A (p.Gly571Arg)

Gene: ACADVL (acyl-CoA dehydrogenase very long chain; plus strand). Cytogenetic location: 17p13.1.
Variant type: single nucleotide variant.
Coding change: c.1711G>A on transcript NM_000018.4 (MANE Select); coding-DNA position 1711, G replaced by A.
Protein change: p.Gly571Arg; replaces glycine 571 with arginine.
Molecular consequence: missense variant.
Genome position (GRCh38, 1-based): chr17:7,224,674, G>A. VCF-style: chr17-7224674-G-A. GRCh37 (hg19) VCF-style: chr17-7127993-G-A.
Other names: c.1645G>A, p.Gly549Arg (NM_001033859.3); c.1780G>A, p.Gly594Arg (NM_001270447.2); c.1483G>A, p.Gly495Arg (NM_001270448.2); short protein forms G571R, G495R, G549R, G594R.
Identifiers: ClinVar variation 92279 (VCV000092279.21), dbSNP rs398123085, ClinGen allele CA220198.